The following is an entry in ClinVar:

ClinVar aggregate classification (germline): Uncertain significance (1 of 4 stars; one submission).

Conditions:
Hereditary spastic paraplegia 39 (SPG39). Also called: SPASTIC PARAPLEGIA 39, AUTOSOMAL RECESSIVE; Spastic Paraplegia Type 39 (SPG39). Identifiers: Orphanet 139480, MedGen C2677586, MONDO:0012787, OMIM 612020.

Allele frequency attached by ClinVar (database versions not stated): gnomAD exomes below 0.00001; TOPMed below 0.00001.
gnomAD v4.1: 2 of 1,580,646 alleles (0.00013%); highest among the groups gnomAD compares: Non-Finnish European, 0.000086%; no homozygotes.

Submission:

Labcorp Genetics (formerly Invitae), Labcorp
Classification: Uncertain significance for Hereditary spastic paraplegia 39. Last evaluated: 2022-10-25. Review status: criteria provided, single submitter. Criteria: Invitae Variant Classification Sherloc (09022015). Collection method: clinical testing. Allele origin: germline.
Comment: This variant is not present in population databases (gnomAD no frequency). In summary, the available evidence is currently insufficient to determine the role of this variant in disease. Therefore, it has been classified as a Variant of Uncertain Significance. Advanced modeling of protein sequence and biophysical properties (such as structural, functional, and spatial information, amino acid conservation, physicochemical variation, residue mobility, and thermodynamic stability) performed at Invitae indicates that this missense variant is not expected to disrupt PNPLA6 protein function. This variant has not been reported in the literature in individuals affected with PNPLA6-related conditions. This sequence change replaces threonine, which is neutral and polar, with methionine, which is neutral and non-polar, at codon 24 of the PNPLA6 protein (p.Thr24Met).

NM_001166114.2(PNPLA6):c.188C>T (p.Thr63Met)

Gene: PNPLA6 (patatin like domain 6, lysophospholipase; plus strand). Cytogenetic location: 19p13.2.
Variant type: single nucleotide variant.
Coding change: c.188C>T on transcript NM_001166114.2 (MANE Select); coding-DNA position 188, C replaced by T.
Protein change: p.Thr63Met; replaces threonine 63 with methionine.
Molecular consequence: missense variant.
Genome position (GRCh38, 1-based): chr19:7,535,976, C>T. VCF-style: chr19-7535976-C-T. GRCh37 (hg19) VCF-style: chr19-7600862-C-T.
Other names: c.215C>T, p.Thr72Met (NM_001166111.2); c.71C>T, p.Thr24Met (NM_001166112.2, NM_001166113.1, NM_006702.5); short protein forms T72M, T63M, T24M.
Identifiers: ClinVar variation 1911706 (VCV001911706.3), dbSNP rs964910024, ClinGen allele CA304860284.
Genomic context (GRCh38, chr19:7,535,976, plus strand): 5'-TGCCGTTCGTCCCTCAGGTGCTTGGCGTGATGATCGGGGCCGGAGTGGCGGTGGTGGTCA[C>T]GGCCGTGCTCATCCTCCTGGTGGTGCGGAGGCTGCGAGTGCCAAGTGAGCACCCGAGGGG-3'
Protein context (NP_001159586.1, residues 53-73): MIGAGVAVVV[Thr63Met]AVLILLVVRR